The following is an entry in ClinVar:

NM_018489.3(ASH1L):c.5416C>G (p.Gln1806Glu)

Gene: ASH1L (ASH1 like histone lysine methyltransferase; minus strand). Cytogenetic location: 1q22.
Variant type: single nucleotide variant.
Coding change: c.5416C>G on transcript NM_018489.3 (MANE Select); coding-DNA position 5416, C replaced by G.
Protein change: p.Gln1806Glu; replaces glutamine 1806 with glutamic acid.
Molecular consequence: missense variant.
Genome position (GRCh38, 1-based): chr1:155,438,739, G>C on the plus strand (C>G on the coding strand, the complement: ASH1L is on the minus strand). VCF-style: chr1-155438739-G-C. GRCh37 (hg19) VCF-style: chr1-155408530-G-C.
Other names: c.5416C>G, p.Gln1806Glu (NM_001366177.2); short protein forms Q1806E.
Identifiers: ClinVar variation 1690586 (VCV001690586.8), dbSNP rs753698911, ClinGen allele CA1146750.

ClinVar aggregate classification (germline): Conflicting classifications of pathogenicity. Review status: criteria provided, conflicting classifications (1 of 4 stars). 2 submissions from 2 submitters: Uncertain significance (1); Likely benign (1). Last evaluated 2025-11-01.

Allele frequency attached by ClinVar (database versions not stated): ExAC 0.00001; gnomAD exomes 0.00001; gnomAD 0.00002 and 0.00003; TOPMed 0.00003.
gnomAD v4.1: 13 of 1,613,932 alleles (0.00081%); highest among the groups gnomAD compares: Middle Eastern, 0.016%; no homozygotes.

Submissions (2):

CeGaT Center for Human Genetics Tuebingen
Classification: Uncertain significance. Last evaluated: 2025-11-01. Review status: criteria provided, single submitter. Criteria: CeGaT Center For Human Genetics Tuebingen Variant Classification Criteria Version 2. Collection method: clinical testing. Allele origin: germline. Affected: yes. Observed: 1 variant allele.

Laboratorio de Genetica e Diagnostico Molecular, Hospital Israelita Albert Einstein
Classification: Likely benign. Last evaluated: 2022-03-24. Review status: criteria provided, single submitter. Criteria: ACMG Guidelines, 2015. Collection method: clinical testing. Allele origin: germline. Affected: yes.
Comment: ACMG classification criteria: PM2, PP2, BS2, BP4